The following is an entry in ClinVar:

ClinVar aggregate classification (germline): Conflicting classifications of pathogenicity. Review status: criteria provided, conflicting classifications (1 of 4 stars). 2 submissions from 2 submitters: Uncertain significance (1); Likely benign (1). Last evaluated 2026-05-01.

gnomAD v4.1: 55 of 1,612,206 alleles (0.0034%); highest among the groups gnomAD compares: Middle Eastern, 0.016%; no homozygotes.

Submissions (2):

CeGaT Center for Human Genetics Tuebingen
Classification: Likely benign. Last evaluated: 2026-05-01. Review status: criteria provided, single submitter. Criteria: CeGaT Center For Human Genetics Tuebingen Variant Classification Criteria Version 2. Collection method: clinical testing. Allele origin: germline. Affected: yes. Observed: 1 variant allele.
Comment: AHNAK2: BP4

Ambry Genetics
Classification: Uncertain significance. Last evaluated: 2025-11-20. Review status: criteria provided, single submitter. Criteria: Ambry Variant Classification Scheme 2023. Collection method: clinical testing. Allele origin: germline.

NM_138420.4(AHNAK2):c.2582C>T (p.Pro861Leu)

Gene: AHNAK2 (AHNAK nucleoprotein 2; minus strand). Cytogenetic location: 14q32.33.
Variant type: single nucleotide variant.
Coding change: c.2582C>T on transcript NM_138420.4 (MANE Select); coding-DNA position 2582, C replaced by T.
Protein change: p.Pro861Leu; replaces proline 861 with leucine.
Molecular consequence: missense variant.
Genome position (GRCh38, 1-based): chr14:104,952,869, G>A on the plus strand (C>T on the coding strand, the complement: AHNAK2 is on the minus strand). VCF-style: chr14-104952869-G-A. GRCh37 (hg19) VCF-style: chr14-105419206-G-A.
Other names: c.2282C>T, p.Pro761Leu (NM_001350929.2); short protein forms P761L, P861L.
Identifiers: ClinVar variation 4639233 (VCV004639233.3).